The following is an entry in ClinVar:

NM_178138.6(LHX3):c.964G>A (p.Ala322Thr)

Gene: LHX3 (LIM homeobox 3; minus strand). Cytogenetic location: 9q34.3.
Variant type: single nucleotide variant.
Coding change: c.964G>A on transcript NM_178138.6 (MANE Select); coding-DNA position 964, G replaced by A.
Protein change: p.Ala322Thr; replaces alanine 322 with threonine.
Molecular consequence: missense variant.
Genome position (GRCh38, 1-based): chr9:136,197,555, C>T on the plus strand (G>A on the coding strand, the complement: LHX3 is on the minus strand). VCF-style: chr9-136197555-C-T. GRCh37 (hg19) VCF-style: chr9-139089401-C-T.
Other names: c.931G>A, p.Ala311Thr (NM_001363746.1); c.979G>A, p.Ala327Thr (NM_014564.5); short protein forms A322T, A327T, A311T.
Identifiers: ClinVar variation 449975 (VCV000449975.46), dbSNP rs201356862, ClinGen allele CA5330282.

ClinVar aggregate classification (germline): Conflicting classifications of pathogenicity. Review status: criteria provided, conflicting classifications (1 of 4 stars). 7 submissions from 7 submitters: Uncertain significance (1); Benign (2); Likely benign (3). 1 of the submissions does not count toward it. Last evaluated 2026-06-03.

Conditions:
LHX3-related disorder. Also called: LHX3-related condition.
Non-acquired combined pituitary hormone deficiency with spine abnormalities (CPHD3). Also called: WBP syndrome; Winkelman Bethge Pfeiffer syndrome; Combined pituitary hormone deficiency type 3. Identifiers: Orphanet 231720, MedGen C3489787, MONDO:0009091, OMIM 221750.

Allele frequency attached by ClinVar (database versions not stated): gnomAD 0.00035 and 0.00051; ExAC 0.00059; TOPMed 0.00080; gnomAD exomes 0.00102; 1000 Genomes Project 30x 0.00281; 1000 Genomes Project 0.00319.
gnomAD v4.1: 585 of 1,268,858 alleles (0.046%); highest among the groups gnomAD compares: East Asian, 1.1%; 1 homozygote.

Submissions (7):

Women's Health and Genetics/Laboratory Corporation of America, LabCorp
Classification: Likely benign. Last evaluated: 2026-06-03. Review status: criteria provided, single submitter. Criteria: LabCorp Variant Classification Summary - May 2015. Collection method: clinical testing. Allele origin: germline.
Comment: Variant summary: LHX3 c.979G>A (p.Ala327Thr) results in a non-conservative amino acid change in the encoded protein sequence. Algorithms developed to predict the effect of missense changes on protein structure and function are either unavailable or do not agree on the potential impact of this missense change. The variant allele was found at a frequency of 0.001 in 122778 control chromosomes, predominantly at a frequency of 0.01 within the East Asian subpopulation in the gnomAD database. The observed variant frequency within East Asian control individuals in the gnomAD database exceeds the estimated maximal expected allele frequency for disease-causing variants in LHX3. To our knowledge, no occurrence of c.979G>A in individuals affected with LHX3-related conditions and no experimental evidence demonstrating its impact on protein function have been reported. ClinVar contains an entry for this variant (Variation ID: 449975). Based on the evidence outlined above, the variant was classified as likely benign.

Labcorp Genetics (formerly Invitae), Labcorp
Classification: Benign. Last evaluated: 2026-01-30. Review status: criteria provided, single submitter. Criteria: Invitae Variant Classification Sherloc (09022015). Collection method: clinical testing. Allele origin: germline.

PreventionGenetics, part of Exact Sciences
Classification: Likely benign for LHX3-related condition. Last evaluated: 2025-08-25. Review status: criteria provided, single submitter. Criteria: ACMG Guidelines, 2015. Collection method: clinical testing. Allele origin: germline.
Comment: This variant is classified as likely benign based on ACMG/AMP sequence variant interpretation guidelines (Richards et al. 2015 PMID: 25741868, with internal and published modifications).

CeGaT Center for Human Genetics Tuebingen
Classification: Likely benign. Last evaluated: 2023-10-01. Review status: criteria provided, single submitter. Criteria: CeGaT Center For Human Genetics Tuebingen Variant Classification Criteria Version 2. Collection method: clinical testing. Allele origin: germline. Affected: yes. Observed: 1 variant allele.
Comment: LHX3: BS1

GeneDx
Classification: Benign. Last evaluated: 2021-04-28. Review status: criteria provided, single submitter. Criteria: GeneDx Variant Classification Process June 2021. Collection method: clinical testing. Allele origin: germline. Affected: yes.
Comment: In silico analysis, which includes protein predictors and evolutionary conservation, supports that this variant does not alter protein structure/function

Illumina Laboratory Services, Illumina
Classification: Uncertain significance for Non-acquired combined pituitary hormone deficiency with spine abnormalities. Last evaluated: 2017-04-27. Review status: criteria provided, single submitter. Criteria: ICSL Variant Classification Criteria 13 December 2019. Collection method: clinical testing. Allele origin: germline.

Natera, Inc.
Classification: Likely benign for Combined pituitary hormone deficiency type 3. Last evaluated: 2020-06-11. Review status: no assertion criteria provided. Collection method: clinical testing. Allele origin: germline. Not counted in ClinVar's aggregate classification.